The following is an entry in ClinVar:

ClinVar aggregate classification (germline): Likely benign. Review status: criteria provided, multiple submitters, no conflicts (2 of 4 stars). 4 submissions from 4 submitters: Likely benign (3). 1 of the submissions does not count toward it. Last evaluated 2025-11-05.

Conditions:
DYNC1H1-related disorder. Also called: DYNC1H1-related condition; DYNC1H1-related disorders. Identifiers: MedGen CN381529.
Inborn genetic diseases. Identifiers: MedGen C0950123, MeSH D030342.
Charcot-Marie-Tooth disease axonal type 2O. Also called: CHARCOT-MARIE-TOOTH NEUROPATHY, AXONAL, TYPE 2O; CHARCOT-MARIE-TOOTH DISEASE, AXONAL, AUTOSOMAL DOMINANT, TYPE 2O; Charcot-Marie-Tooth Neuropathy Type 2O; Charcot-Marie-Tooth disease, axonal, type 20. Identifiers: Orphanet 284232, MedGen C3280220, MONDO:0013644, OMIM 614228.

Allele frequency attached by ClinVar (database versions not stated): gnomAD exomes 0.00001 and 0.00004; ExAC 0.00006; ESP Exome Variant Server 0.00015; TOPMed 0.00021; gnomAD 0.00022 and 0.00023; 1000 Genomes Project 0.00100; 1000 Genomes Project 30x 0.00125.
gnomAD v4.1: 55 of 1,614,184 alleles (0.0034%); highest among the groups gnomAD compares: African/African-American, 0.068%; no homozygotes.

Submissions (4):

Labcorp Genetics (formerly Invitae), Labcorp
Classification: Likely benign for Charcot-Marie-Tooth disease axonal type 2O. Last evaluated: 2025-11-05. Review status: criteria provided, single submitter. Criteria: Invitae Variant Classification Sherloc (09022015). Collection method: clinical testing. Allele origin: germline.

GeneDx
Classification: Likely benign. Last evaluated: 2018-03-07. Review status: criteria provided, single submitter. Criteria: GeneDx Variant Classification (06012015). Collection method: clinical testing. Allele origin: germline. Affected: yes.
Comment: This variant is considered likely benign or benign based on one or more of the following criteria: it is a conservative change, it occurs at a poorly conserved position in the protein, it is predicted to be benign by multiple in silico algorithms, and/or has population frequency not consistent with disease.

Ambry Genetics
Classification: Likely benign for Inborn genetic diseases. Last evaluated: 2017-12-18. Review status: criteria provided, single submitter. Criteria: Ambry Variant Classification Scheme 2023. Collection method: clinical testing. Allele origin: germline.

PreventionGenetics, part of Exact Sciences
Classification: Likely benign for DYNC1H1-related condition. Last evaluated: 2024-06-19. Review status: no assertion criteria provided. Collection method: clinical testing. Allele origin: germline. Not counted in ClinVar's aggregate classification.
Comment: This variant is classified as likely benign based on ACMG/AMP sequence variant interpretation guidelines (Richards et al. 2015 PMID: 25741868, with internal and published modifications).

NM_001376.5(DYNC1H1):c.9171G>A (p.Gln3057=)

Genes: DYNC1H1 (dynein cytoplasmic 1 heavy chain 1; plus strand), LOC126862060 (BRD4-independent group 4 enhancer GRCh37_chr14:102493659-102494858; plus strand). Cytogenetic location: 14q32.31.
Variant type: single nucleotide variant.
Coding change: c.9171G>A on transcript NM_001376.5 (MANE Select); coding-DNA position 9171, G replaced by A.
Protein change: p.Gln3057=; no amino-acid change (glutamine 3057 retained).
Molecular consequence: synonymous variant.
Genome position (GRCh38, 1-based): chr14:102,027,741, G>A. VCF-style: chr14-102027741-G-A. GRCh37 (hg19) VCF-style: chr14-102494078-G-A.
Identifiers: ClinVar variation 472562 (VCV000472562.14), dbSNP rs201041097, ClinGen allele CA7353173.